The following is an entry in ClinVar:

NM_175914.5(HNF4A):c.710C>T (p.Ala237Val)

Gene: HNF4A (hepatocyte nuclear factor 4 alpha; plus strand). Cytogenetic location: 20q13.12.
Variant type: single nucleotide variant.
Coding change: c.710C>T on transcript NM_175914.5 (MANE Select); coding-DNA position 710, C replaced by T.
Protein change: p.Ala237Val; replaces alanine 237 with valine.
Molecular consequence: missense variant.
Genome position (GRCh38, 1-based): chr20:44,419,760, C>T. VCF-style: chr20-44419760-C-T. GRCh37 (hg19) VCF-style: chr20-43048400-C-T.
Other names: c.776C>T, p.Ala259Val (NM_000457.6, NM_178849.3, NM_178850.3); c.710C>T, p.Ala237Val (NM_001030003.3, NM_001030004.3); c.755C>T, p.Ala252Val (NM_001258355.2); c.701C>T, p.Ala234Val (NM_001287182.2, NM_001287183.2, NM_001287184.2); short protein forms A237V, A252V, A234V, A259V.
Identifiers: ClinVar variation 1757210 (VCV001757210.3), dbSNP rs145542196, ClinGen allele CA9870364.
Genomic context (GRCh38, chr20:44,419,760, plus strand): 5'-CCTCCCTCCCAACCCTTCCAGGCAATGACTACATTGTCCCTCGGCACTGCCCGGAGCTGG[C>T]GGAGATGAGCCGGGTGTCCATACGCATCCTTGACGAGCTGGTGCTGCCCTTCCAGGAGCT-3'
Protein context (NP_787110.2, residues 227-247): YIVPRHCPEL[Ala237Val]EMSRVSIRIL

ClinVar aggregate classification (germline): Uncertain significance. Review status: criteria provided, multiple submitters, no conflicts (2 of 4 stars). 2 submissions from 2 submitters: Uncertain significance (2). Last evaluated 2024-06-20.

Conditions:
Maturity-onset diabetes of the young type 1. Also called: MILD JUVENILE DIABETES MELLITUS; MODY type 1; Diabetes mellitus MODY type 1; MODY HNF4A related; HNF4A-Related Maturity-Onset Diabetes of the Young Type 1; MODY, type I. Identifiers: Orphanet 552, MedGen C1852093, MONDO:0007452, OMIM 125850. Disease mechanism: loss of function.
Fanconi renotubular syndrome 4 with maturity-onset diabetes of the young (FRTS4). Also called: FRTS4 WITH MODY. Identifiers: Orphanet 93111, MedGen C4014962, MONDO:0014458, OMIM 616026.
Type 2 diabetes mellitus. Also called: Type II diabetes mellitus. Identifiers: MedGen C0011860, MeSH D003924, MONDO:0005148, OMIM 125853, HP:0005978.
Maturity-onset diabetes of the young (MODY). Also called: Maturity onset diabetes mellitus in young. Identifiers: Orphanet 552, MedGen C0342276, MONDO:0018911, HP:0004904.

Allele frequency attached by ClinVar (database versions not stated): ExAC 0.00001; gnomAD 0.00001; gnomAD exomes 0.00001; TOPMed 0.00002; ESP Exome Variant Server 0.00008.
gnomAD v4.1: 10 of 1,613,872 alleles (0.00062%); highest among the groups gnomAD compares: African/African-American, 0.004%; no homozygotes.

Submissions (2):

Fulgent Genetics
Classification: Uncertain significance for Maturity-onset diabetes of the young type 1; Type 2 diabetes mellitus; Fanconi renotubular syndrome 4 with maturity-onset diabetes of the young. Last evaluated: 2024-06-20. Review status: criteria provided, single submitter. Criteria: ACMG Guidelines, 2015. Collection method: clinical testing. Allele origin: germline.

Ambry Genetics
Classification: Uncertain significance for Maturity-onset diabetes of the young. Last evaluated: 2022-04-25. Review status: criteria provided, single submitter. Criteria: Ambry Variant Classification Scheme 2023. Collection method: clinical testing. Allele origin: germline.
Comment: The p.A237V variant (also known as c.710C>T), located in coding exon 7 of the HNF4A gene, results from a C to T substitution at nucleotide position 710. The alanine at codon 237 is replaced by valine, an amino acid with similar properties. This amino acid position is well conserved in available vertebrate species. In addition, this alteration is predicted to be tolerated by in silico analysis. Since supporting evidence is limited at this time, the clinical significance of this alteration remains unclear.